The following is an entry in ClinVar:

ClinVar aggregate classification (germline): Uncertain significance (1 of 4 stars; one submission).

Conditions:
Autosomal recessive nonsyndromic hearing loss 3. Also called: NEUROSENSORY NONSYNDROMIC RECESSIVE DEAFNESS 3. Identifiers: Orphanet 90636, MedGen C1838263, MONDO:0010860, OMIM 600316.

gnomAD v4.1: 1 of 1,613,946 alleles (0.000062%); highest among the groups gnomAD compares: African/African-American, 0.0013%; no homozygotes.

Submission:

Juno Genomics, Hangzhou Juno Genomics, Inc
Classification: Uncertain significance for Autosomal recessive nonsyndromic hearing loss 3. Review status: criteria provided, single submitter. Criteria: ACMG Guidelines, 2015. Collection method: clinical testing. Allele origin: germline. Affected: yes.
Comment: Absent from controls (or at extremely low frequency if recessive) in Genome Aggregation Database, Exome Sequencing Project, 1000 Genomes Project, or Exome Aggregation Consortium.;Multiple lines of computational evidence support a deleterious effect on the gene or gene product (conservation, evolutionary, splicing impact, etc).;For recessive disorders, detected in trans with a pathogenic variant.

NM_016239.4(MYO15A):c.6405G>A (p.Val2135=)

Gene: MYO15A (myosin XVA; plus strand). Cytogenetic location: 17p11.2.
Variant type: single nucleotide variant.
Coding change: c.6405G>A on transcript NM_016239.4 (MANE Select); coding-DNA position 6405, G replaced by A.
Protein change: p.Val2135=; no amino-acid change (valine 2135 retained).
Molecular consequence: synonymous variant.
Genome position (GRCh38, 1-based): chr17:18,146,003, G>A. VCF-style: chr17-18146003-G-A. GRCh37 (hg19) VCF-style: chr17-18049317-G-A.
Identifiers: ClinVar variation 3906960 (VCV003906960.2).